The following is an entry in ClinVar:

ClinVar aggregate classification (germline): Conflicting classifications of pathogenicity. Review status: criteria provided, conflicting classifications (1 of 4 stars). 6 submissions from 5 submitters: Uncertain significance (3); Benign (1); Likely benign (2). Last evaluated 2026-09-15.

Conditions:
MYH3-related disorder. Also called: MYH3-Related Disorders; MYH3-related condition. Identifiers: MedGen CN239329.
Inborn genetic diseases. Identifiers: MedGen C0950123, MeSH D030342.
Distal arthrogryposis type 2B1 (DA2B1). Also called: Arthrogryposis multiplex congenita distal type II with craniofacial abnormalities. Identifiers: Orphanet 1147, MedGen C5193014, MONDO:0020820, OMIM 601680.
Freeman-Sheldon syndrome (DA2A). Also called: WHISTLING FACE-WINDMILL VANE HAND SYNDROME; CRANIOCARPOTARSAL DYSPLASIA; CRANIOCARPOTARSAL DYSTROPHY; Arthrogryposis, distal, type 2A (Freeman-Sheldon). Identifiers: Orphanet 2053, MedGen C0265224, MONDO:0008675, OMIM 193700.

Allele frequency attached by ClinVar (database versions not stated): ESP Exome Variant Server 0.00046; TOPMed 0.00055; gnomAD 0.00056 and 0.00058.
gnomAD v4.1: 1,353 of 1,614,026 alleles (0.084%); highest among the groups gnomAD compares: Non-Finnish European, 0.11%; 2 homozygotes.

Submissions (6):

PreventionGenetics, part of Exact Sciences
Classification: Uncertain significance for MYH3-related condition. Last evaluated: 2026-09-15. Review status: criteria provided, single submitter. Criteria: ACMG Guidelines, 2015. Collection method: clinical testing. Allele origin: germline.
Comment: The MYH3 c.166C>G variant is predicted to result in the amino acid substitution p.Gln56Glu. To our knowledge, this variant has not been reported in the literature. This variant is reported in 0.067% of alleles in individuals of European (Non-Finnish) descent in gnomAD. Although we suspect that this variant may be benign, at this time, the clinical significance of this variant is uncertain due to the absence of conclusive functional and genetic evidence.

Labcorp Genetics (formerly Invitae), Labcorp
Classification: Likely benign. Last evaluated: 2026-01-21. Review status: criteria provided, single submitter. Criteria: Invitae Variant Classification Sherloc (09022015). Collection method: clinical testing. Allele origin: germline.

Blueprint Genetics
Classification: Likely benign. Last evaluated: 2024-10-21. Review status: criteria provided, single submitter. Criteria: ACMG Guidelines, 2015. Collection method: clinical testing. Allele origin: germline.

Ambry Genetics
Classification: Uncertain significance for Inborn genetic diseases. Last evaluated: 2024-04-22. Review status: criteria provided, single submitter. Criteria: Ambry Variant Classification Scheme 2023. Collection method: clinical testing. Allele origin: germline.

Illumina Laboratory Services, Illumina
Classification: Uncertain significance for Distal arthrogryposis type 2B1. Last evaluated: 2018-01-13. Review status: criteria provided, single submitter. Criteria: ICSL Variant Classification Criteria 13 December 2019. Collection method: clinical testing. Allele origin: germline.

Illumina Laboratory Services, Illumina
Classification: Benign for Freeman-Sheldon syndrome. Last evaluated: 2018-01-13. Review status: criteria provided, single submitter. Criteria: ICSL Variant Classification Criteria 13 December 2019. Collection method: clinical testing. Allele origin: germline.
Comment: This variant was observed in the ICSL laboratory as part of a predisposition screen in an ostensibly healthy population. It had not been previously curated by ICSL or reported in the Human Gene Mutation Database (HGMD: prior to June 1st, 2018), and was therefore a candidate for classification through an automated scoring system. Utilizing variant allele frequency, disease prevalence and penetrance estimates, and inheritance mode, an automated score was calculated to assess if this variant is too frequent to cause the disease. Based on the score and internal cut-off values, a variant classified as benign is not then subjected to further curation. The score for this variant resulted in a classification of benign for this disease.

NM_002470.4(MYH3):c.166C>G (p.Gln56Glu)

Gene: MYH3 (myosin heavy chain 3; minus strand). Cytogenetic location: 17p13.1.
Variant type: single nucleotide variant.
Coding change: c.166C>G on transcript NM_002470.4 (MANE Select); coding-DNA position 166, C replaced by G.
Protein change: p.Gln56Glu; replaces glutamine 56 with glutamic acid.
Molecular consequence: missense variant.
Genome position (GRCh38, 1-based): chr17:10,654,899, G>C on the plus strand (C>G on the coding strand, the complement: MYH3 is on the minus strand). VCF-style: chr17-10654899-G-C. GRCh37 (hg19) VCF-style: chr17-10558216-G-C.
Other names: short protein forms Q56E.
Identifiers: ClinVar variation 321774 (VCV000321774.21), dbSNP rs143973840, ClinGen allele CA8393401.